The following is an entry in ClinVar:

NM_001130987.2(DYSF):c.1116C>G (p.Ser372Arg)

Gene: DYSF (dysferlin; plus strand). Cytogenetic location: 2p13.2.
Variant type: single nucleotide variant.
Coding change: c.1116C>G on transcript NM_001130987.2 (MANE Select); coding-DNA position 1116, C replaced by G.
Protein change: p.Ser372Arg; replaces serine 372 with arginine.
Molecular consequence: missense variant.
Genome position (GRCh38, 1-based): chr2:71,520,871, C>G. VCF-style: chr2-71520871-C-G. GRCh37 (hg19) VCF-style: chr2-71748001-C-G.
Other names: NM_001130987.2(DYSF):c.1116C>G; p.Ser372Arg; c.1023C>G, p.Ser341Arg (NM_001130455.2, NM_001130983.2, NM_001130984.2 and 1 more transcripts); c.1020C>G, p.Ser340Arg (NM_001130976.2, NM_001130977.2, NM_001130978.2 and 1 more transcripts); c.1113C>G, p.Ser371Arg (NM_001130979.2, NM_001130980.2, NM_001130981.2); c.1116C>G, p.Ser372Arg (NM_001130982.2, NM_001130985.2); short protein forms S372R, S340R, S341R, S371R.
Identifiers: ClinVar variation 288183 (VCV000288183.22), dbSNP rs766891289, ClinGen allele CA10605994.

ClinVar aggregate classification (germline): Pathogenic. Review status: reviewed by expert panel (3 of 4 stars). 8 submissions from 8 submitters: Pathogenic (1). 7 of the submissions do not count toward it. Last evaluated 2026-02-02.

Conditions:
Autosomal recessive limb-girdle muscular dystrophy. Identifiers: Orphanet 102015, MedGen C2931907, MONDO:0015152.
Autosomal recessive limb-girdle muscular dystrophy type 2B (LGMDR2). Also called: MUSCULAR DYSTROPHY, LIMB-GIRDLE, AUTOSOMAL RECESSIVE 2; Limb-girdle muscular dystrophy, type 2B; Limb-Girdle Muscular Dystrophy Type 2B (LGMD2B); MUSCULAR DYSTROPHY, LIMB-GIRDLE, TYPE 3. Identifiers: Orphanet 268, MedGen C1850889, MONDO:0009676, OMIM 253601.
Miyoshi muscular dystrophy 1 (MMD1). Identifiers: Orphanet 45448, MedGen C4551973, MONDO:0024545, OMIM 254130.
Neuromuscular disease caused by qualitative or quantitative defects of dysferlin. Also called: Dysferlinopathy; Qualitative or quantitative defects of dysferlin. Identifiers: Orphanet 207073, MedGen C2931687, MONDO:0016145.

gnomAD v4.1: 3 of 1,614,130 alleles (0.00019%); highest among the groups gnomAD compares: Non-Finnish European, 0.00025%; no homozygotes.

Submissions (8):

ClinGen Limb Girdle Muscular Dystrophy Variant Curation Expert Panel, ClinGen
Classification: Pathogenic for Autosomal recessive limb-girdle muscular dystrophy. Last evaluated: 2026-02-02. Review status: reviewed by expert panel. Criteria: ClinGen LGMD VCEP ACMG Specifications DYSF V2.0.0. Collection method: curation. Allele origin: germline. Inheritance: Autosomal recessive inheritance.
Comment: The NM_003494.4: c.1020C>G variant in DYSF, which is also known as NM_001130987.2: c.1116C>G p.(Ser372Arg), is a missense variant predicted to cause substitution of serine by arginine at amino acid 340, p.(Ser340Arg). This variant has been reported in at least seven patients with features consistent with LGMD (PMID: 33927379, 30564623, 19730931; ClinVar SCV002073234.1; Jain Foundation Dysferlin Registry internal data communication; LOVD DYSF_000465), including in a homozygous state without reported familial consanguinity in at least four unrelated patients (1.0 pt, PMID: 19730931, 33927379; ClinVar SCV002073234.1; Jain Foundation Dysferlin Registry internal data communication) (PM3). At least one patient with this variant and a second presumed diagnostic DYSF allele had both a clinical diagnosis of LGMD and absent dysferlin protein expression in skeletal muscle, which is highly specific for DYSF-related LGMD (PMID: 33927379, LOVD Individual #00327530; PP4_Strong). The filtering allele frequency for this variant is 0.000006571 in gnomAD v4.1.0 (the upper bound of the 95% confidence interval of 3/1180012 European (non-Finnish) chromosomes), which is less than the threshold of 0.0001 for PM2_Supporting, meeting this criterion (PM2_Supporting). The computational predictor REVEL gives a score of 0.695, which is below the LGMD VCEP threshold of ≥0.70 for PP3 (criterion not met), but immunofluorescence and 2-A assays of dysferlin membrane localization in HEK293T cells showed the Ser340Arg protein did not reach the cell membrane, indicating an impact on protein function (PMID: 35028538; PS3_Moderate). Another nucleotide change at the same position resulting in the same amino acid change, NM_003494.4: c.1020C>A p.(Ser340Arg), is classified as pathogenic by the LGMD VCEP (PS1). In summary, this variant meets the criteria to be classified as Pathogenic for autosomal recessive limb girdle muscular dystrophy based on the ACMG/AMP criteria applied, as specified by the ClinGen LGMD VCEP (LGMD VCEP specifications version 2.0.0; 02/02/2026): PM3, PP4_Strong, PM2_Supporting, PS3_Moderate, PS1.

GeneDx
Classification: Likely pathogenic. Last evaluated: 2025-04-04. Review status: criteria provided, single submitter. Criteria: GeneDx Variant Classification Process June 2021. Collection method: clinical testing. Allele origin: germline. Affected: yes. Not counted in ClinVar's aggregate classification.
Comment: In silico analysis supports that this missense variant has a deleterious effect on protein structure/function; Not observed at significant frequency in large population cohorts (gnomAD); This variant is associated with the following publications: (PMID: 25312915, 32153140, 19730931, 17698709, 35047756, 26404900, 33610434, 24438169, 21522182, 19556129, 33927379)

Women's Health and Genetics/Laboratory Corporation of America, LabCorp
Classification: Pathogenic for Autosomal recessive limb-girdle muscular dystrophy. Last evaluated: 2024-10-30. Review status: criteria provided, single submitter. Criteria: LabCorp Variant Classification Summary - May 2015. Collection method: clinical testing. Allele origin: germline. Not counted in ClinVar's aggregate classification.
Comment: Variant summary: DYSF c.1020C>G (p.Ser340Arg) results in a non-conservative amino acid change located in the Ferlin domain (IPR012968) of the encoded protein sequence. Five of five in-silico tools predict a damaging effect of the variant on protein function. The variant allele was found at a frequency of 4e-06 in 251482 control chromosomes. c.1020C>G has been reported in the literature in the homozygous state in at least 1 individual affected with dysferlinopathy (example, Harris_2016). Further, a different c. with identical protein effect (c.1020C>A p.Ser340Arg) is pathogenic (PMID: 17698709, 21522182, 26404900). These data indicate that the variant is very likely to be associated with disease. At least one publication reports experimental evidence evaluating an impact on protein function. The most pronounced variant effect results total loss of detectable DYSF protein in muscle tissue (example, Harris_2016). The following publication has been ascertained in the context of this evaluation (PMID: 27602406). ClinVar contains an entry for this variant (Variation ID: 288183). Based on the evidence outlined above, the variant was classified as pathogenic.

Revvity Omics, Revvity
Classification: Likely pathogenic. Last evaluated: 2024-04-30. Review status: criteria provided, single submitter. Criteria: ACMG Guidelines, 2015. Collection method: clinical testing. Allele origin: germline. Not counted in ClinVar's aggregate classification.

Labcorp Genetics (formerly Invitae), Labcorp
Classification: Pathogenic for Neuromuscular disease caused by qualitative or quantitative defects of dysferlin. Last evaluated: 2023-07-31. Review status: criteria provided, single submitter. Criteria: Invitae Variant Classification Sherloc (09022015). Collection method: clinical testing. Allele origin: germline. Not counted in ClinVar's aggregate classification.
Comment: This missense change has been observed in individual(s) with DYSF-related conditions (PMID: 17698709, 21522182, 26404900, 33610434). ClinVar contains an entry for this variant (Variation ID: 288183). This variant is present in population databases (no rsID available, gnomAD 0.0009%). This sequence change replaces serine, which is neutral and polar, with arginine, which is basic and polar, at codon 340 of the DYSF protein (p.Ser340Arg). Advanced modeling of protein sequence and biophysical properties (such as structural, functional, and spatial information, amino acid conservation, physicochemical variation, residue mobility, and thermodynamic stability) has been performed at Invitae for this missense variant, however the output from this modeling did not meet the statistical confidence thresholds required to predict the impact of this variant on DYSF protein function. For these reasons, this variant has been classified as Pathogenic.

Kariminejad - Najmabadi Pathology & Genetics Center
Classification: Likely pathogenic for Miyoshi muscular dystrophy 1; Autosomal recessive limb-girdle muscular dystrophy type 2B. Last evaluated: 2022-12-15. Review status: criteria provided, single submitter. Criteria: ACMG Guidelines, 2015. Collection method: clinical testing. Allele origin: germline. Inheritance: Autosomal recessive inheritance. Affected: yes. Not counted in ClinVar's aggregate classification.
Comment: PM2,PP3,PS1

Eurofins Ntd Llc (ga)
Classification: Uncertain significance. Last evaluated: 2016-05-23. Review status: criteria provided, single submitter. Criteria: EGL Classification Definitions 2015. Collection method: clinical testing. Allele origin: germline. Observed: 1 variant allele, 1 heterozygote. Not counted in ClinVar's aggregate classification.

Neuberg Centre For Genomic Medicine, NCGM
Classification: Likely pathogenic for Autosomal recessive limb-girdle muscular dystrophy type 2B. Review status: criteria provided, single submitter. Criteria: ACMG Guidelines, 2015. Collection method: clinical testing. Allele origin: germline. Affected: yes. Not counted in ClinVar's aggregate classification.
Comment: The missense variant p.S340R in DYSF (NM_003494.4) has been reported previously multiple affected individuals with dysferlinopathy (Cacciottolo M et al; Magri F et al). The reported indviduals harbor a different nucleotide change c.1020C>A but the same amino acid variant. The variant has been submitted to clinvar with conflicting interpretations: VUS/Likely Pathogenic. This variant is also referred to as Ser372Arg on a different transcript. The p.S340R variant is observed in 1/1,13,756 (0.0009%) alleles from individuals of European (Non-Finnish) background in gnomAD Exomes and is novel (not in any individuals) in 1000 Genomes. The p.S340R missense variant is predicted to be damaging by both SIFT and PolyPhen2. The serine residue at codon 340 of DYSF is conserved in all mammalian species. The nucleotide c.1020 in DYSF is predicted conserved by GERP++ and PhyloP across 100 vertebrates. For these reasons, this variant has been classified as Likely Pathogenic.

Literature cited by the submitters: PubMed 27602406 (cited by Women's Health and Genetics/Laboratory Corporation of America, LabCorp); PubMed 17698709 (cited by Labcorp Genetics (formerly Invitae), Labcorp); PubMed 21522182 (cited by Labcorp Genetics (formerly Invitae), Labcorp); PubMed 26404900 (cited by Labcorp Genetics (formerly Invitae), Labcorp); PubMed 33610434 (cited by Labcorp Genetics (formerly Invitae), Labcorp).